The following is an entry in ClinVar:

NM_018906.3(PCDHA3):c.1940T>C (p.Leu647Pro)

Genes: PCDHA2 (protocadherin alpha 2; plus strand), PCDHA1 (protocadherin alpha 1; plus strand), PCDHA3 (protocadherin alpha 3; plus strand), PCDHA@ (protocadherin alpha cluster, complex locus; plus strand). Cytogenetic location: 5q31.3.
Variant type: single nucleotide variant.
Coding change: c.1940T>C on transcript NM_018906.3 (MANE Select); coding-DNA position 1940, T replaced by C.
Protein change: p.Leu647Pro; replaces leucine 647 with proline.
Molecular consequence: missense variant. On other transcripts: intron variant (4).
Genome position (GRCh38, 1-based): chr5:140,803,137, T>C. VCF-style: chr5-140803137-T-C. GRCh37 (hg19) VCF-style: chr5-140182722-T-C.
Other names: c.1940T>C, p.Leu647Pro (NM_031497.2); c.2394+14453T>C (NM_018900.4); c.1602+15245T>C (NM_031411.3); c.2388+5785T>C (NM_018905.3); c.2389-1923T>C (NM_031496.2); short protein forms L647P.
Identifiers: ClinVar variation 3050725 (VCV003050725.2), dbSNP rs149374718, ClinGen allele CA3446649.

ClinVar aggregate classification (germline): Likely benign (0 of 4 stars; one submission).

Conditions:
PCDHA3-related disorder. Also called: PCDHA3-related condition.

Allele frequency attached by ClinVar (database versions not stated): TOPMed 0.00087; gnomAD 0.00056; 1000 Genomes Project 0.00100; ESP Exome Variant Server 0.00092; gnomAD exomes 0.00058; 1000 Genomes Project 30x 0.00094; ExAC 0.00096.
gnomAD v4.1: 989 of 1,613,848 alleles (0.061%); highest among the groups gnomAD compares: Middle Eastern, 0.86%; 3 homozygotes.

Submission:

PreventionGenetics, part of Exact Sciences
Classification: Likely benign for PCDHA3-related condition. Last evaluated: 2019-07-13. Review status: no assertion criteria provided. Collection method: clinical testing. Allele origin: germline.
Comment: This variant is classified as likely benign based on ACMG/AMP sequence variant interpretation guidelines (Richards et al. 2015 PMID: 25741868, with internal and published modifications).